The following is an entry in ClinVar:

ClinVar aggregate classification (germline): Pathogenic (1 of 4 stars; one submission).

Conditions:
Cataract 1 multiple types. Also called: CATARACT 1, POSTERIOR SUBCAPSULAR, WITH MICROCORNEA; CATARACT 1, STELLATE NUCLEAR, WITH MICROCORNEA; CATARACT, DUFFY-LINKED; CATARACT 1, MULTIPLE TYPES, WITH OR WITHOUT MICROCORNEA; CATARACT 1, NUCLEAR PROGRESSIVE; CATARACT 1 WITH MICROCORNEA. Identifiers: Orphanet 1377, MedGen C1861828, MONDO:0007285, OMIM 116200.

Submission:

Molecular Genetics of Human Eye Development, Oxford Brookes University
Classification: Pathogenic for Cataract 1 multiple types. Last evaluated: 2025-02-18. Review status: criteria provided, single submitter. Criteria: ACMG Guidelines, 2015. Collection method: clinical testing. Allele origin: de novo. Affected: yes. Observed: 1 variant allele.
Comment: The GJA8 c.196T>G; The variant is absent in genomic databases, including gnomAD v4.1, and predicted deleterious/damaging by several in silico prediction tools including SIFT, PolyPhen and AlphaMissense. This is the first time the variant is being associated with a disease condition but other changes affecting the same codon (Tyr66) are reported on ClinVar [p.(Tyr66Cys) (SCV001379194), p.(Tyr66His) (SCV000952358) and p.(Tyr66Ser) (SCV001219479)] associated with developmental cataract. The variant is classified pathogenic using PS2, PM1, PM2, PM5, PP3.

NM_005267.5(GJA8):c.196T>G (p.Tyr66Asp)

Gene: GJA8 (gap junction protein alpha 8; plus strand). Cytogenetic location: 1q21.2.
Variant type: single nucleotide variant.
Coding change: c.196T>G on transcript NM_005267.5 (MANE Select); coding-DNA position 196, T replaced by G.
Protein change: p.Tyr66Asp; replaces tyrosine 66 with aspartic acid.
Molecular consequence: missense variant.
Genome position (GRCh38, 1-based): chr1:147,908,151, T>G. VCF-style: chr1-147908151-T-G. GRCh37 (hg19) VCF-style: chr1-147380278-T-G.
Other names: short protein forms Y66D.
Identifiers: ClinVar variation 3236402 (VCV003236402.3).